The following is an entry in ClinVar:

NC_000006.12:g.(?_34417506)_(34421817_?)del

Gene: RPS10 (ribosomal protein S10; minus strand). Cytogenetic location: 6p21.31.
Variant type: Deletion.
Identifiers: ClinVar variation 832699 (VCV000832699.13).

ClinVar aggregate classification (germline): Likely pathogenic (1 of 4 stars; one submission).

Conditions:
Diamond-Blackfan anemia. Also called: Blackfan Diamond syndrome; Aregenerative anemia chronic congenital; Red cell aplasia, pure hereditary; Congenital hypoplastic anemia; Aase syndrome. Identifiers: Orphanet 124, MedGen C1260899, MeSH D029503, MONDO:0015253, HP:0004810.

Submission:

Labcorp Genetics (formerly Invitae), Labcorp
Classification: Likely pathogenic for Diamond-Blackfan anemia. Last evaluated: 2019-12-27. Review status: criteria provided, single submitter. Criteria: Invitae Variant Classification Sherloc (09022015). Collection method: clinical testing. Allele origin: germline.
Comment: In summary, the currently available evidence indicates that the variant is pathogenic, but additional data are needed to prove that conclusively. Therefore, this variant has been classified as Likely Pathogenic. This variant disrupts the p.Lys138, p.Lys139, p.Arg158, and p.Arg160 amino acid residues in RPS10 which have been shown to be important for proper ribosome assembly and protein translation (PMID: 20159986, 28065601, 28132843). This suggests variants that disrupt these residues are likely to be disease-causing. This variant has not been reported in the literature in individuals with RPS10-related conditions. This variant is a gross deletion of the genomic region encompassing exons 4-6 of the RPS10 gene. The 5' boundary is likely confined to intron 3. The 3' end of this event is unknown as it extends through the termination codon beyond the assayed region for this gene and may encompass additional genes. While this deletion is not anticipated to result in nonsense mediated decay, it is expected to create a truncated protein product or disrupt mRNA translation.

Literature cited by the submitters: PubMed 20159986; PubMed 28065601; PubMed 28132843.